The following is an entry in ClinVar:

NM_014444.5(TUBGCP4):c.1965C>A (p.Thr655=)

Genes: TP53BP1 (tumor protein p53 binding protein 1; minus strand), TUBGCP4 (tubulin gamma complex component 4; plus strand). Cytogenetic location: 15q15.3.
Variant type: single nucleotide variant.
Coding change: c.1965C>A on transcript NM_014444.5 (MANE Select); coding-DNA position 1965, C replaced by A.
Protein change: p.Thr655=; no amino-acid change (threonine 655 retained).
Molecular consequence: synonymous variant. On other transcripts: 3 prime UTR variant (5).
Genome position (GRCh38, 1-based): chr15:43,404,529, C>A. VCF-style: chr15-43404529-C-A. GRCh37 (hg19) VCF-style: chr15-43696727-C-A.
Other names: c.1968C>A, p.Thr656= (NM_001286414.3); c.*2854G>T (NM_001141979.3, NM_001141980.3, NM_001355001.2 and 2 more transcripts).
Identifiers: ClinVar variation 437139 (VCV000437139.44), dbSNP rs368490891, ClinGen allele CA7524251.
Genomic context (GRCh38, chr15:43,404,529, plus strand): 5'-TCAGATCAACTCAGATTTGGCTCAACTACTGTTACGACTAGATTATAACAAATACTATAC[C>A]CAGGCTGGTGGAACTCTGGGCAGGTAGGAGCAACCCTTGGGTAACTCAGTAGACTTTTTA-3'
Protein context (NP_055259.2, residues 645-665): LLRLDYNKYY[Thr655=]QAGGTLGSFG

ClinVar aggregate classification (germline): Likely benign. Review status: criteria provided, multiple submitters, no conflicts (2 of 4 stars). 4 submissions from 4 submitters: Likely benign (4). Last evaluated 2026-06-01.

Allele frequency attached by ClinVar (database versions not stated): 1000 Genomes Project 0.00020; 1000 Genomes Project 30x 0.00031; ESP Exome Variant Server 0.00050; gnomAD exomes 0.00057 and 0.00101; gnomAD 0.00060 and 0.00061; ExAC 0.00061; TOPMed 0.00063.
gnomAD v4.1: 1,532 of 1,614,078 alleles (0.095%); highest among the groups gnomAD compares: Non-Finnish European, 0.12%; no homozygotes.

Submissions (4):

CeGaT Center for Human Genetics Tuebingen
Classification: Likely benign. Last evaluated: 2026-06-01. Review status: criteria provided, single submitter. Criteria: CeGaT Center For Human Genetics Tuebingen Variant Classification Criteria Version 2. Collection method: clinical testing. Allele origin: germline. Affected: yes. Observed: 4 variant alleles.
Comment: TUBGCP4: BP4, BP7

Labcorp Genetics (formerly Invitae), Labcorp
Classification: Likely benign. Last evaluated: 2026-01-27. Review status: criteria provided, single submitter. Criteria: Invitae Variant Classification Sherloc (09022015). Collection method: clinical testing. Allele origin: germline.

Blueprint Genetics
Classification: Likely benign. Last evaluated: 2024-09-11. Review status: criteria provided, single submitter. Criteria: ACMG Guidelines, 2015. Collection method: clinical testing. Allele origin: germline.

Genetic Services Laboratory, University of Chicago
Classification: Likely benign. Last evaluated: 2017-02-22. Review status: criteria provided, single submitter. Criteria: ACMG Guidelines, 2015. Collection method: clinical testing. Allele origin: germline. Affected: no.